The following is an entry in ClinVar:

ClinVar aggregate classification (germline): Uncertain significance (1 of 4 stars; one submission).

Conditions:
RASopathy. Also called: Noonan spectrum disorder; rasopathies. Identifiers: Orphanet 536391, MedGen C5555857, MONDO:0021060.

gnomAD v4.1: 1 of 1,582,080 alleles (0.000063%); no homozygotes.

Submission:

Labcorp Genetics (formerly Invitae), Labcorp
Classification: Uncertain significance for RASopathy. Last evaluated: 2024-06-09. Review status: criteria provided, single submitter. Criteria: Invitae Variant Classification Sherloc (09022015). Collection method: clinical testing. Allele origin: germline.
Comment: This sequence change replaces glycine, which is neutral and non-polar, with valine, which is neutral and non-polar, at codon 180 of the MAP2K2 protein (p.Gly180Val). This variant is not present in population databases (gnomAD no frequency). This variant has not been reported in the literature in individuals affected with MAP2K2-related conditions. Advanced modeling of protein sequence and biophysical properties (such as structural, functional, and spatial information, amino acid conservation, physicochemical variation, residue mobility, and thermodynamic stability) performed at Invitae indicates that this missense variant is expected to disrupt MAP2K2 protein function with a positive predictive value of 95%. In summary, the available evidence is currently insufficient to determine the role of this variant in disease. Therefore, it has been classified as a Variant of Uncertain Significance.

NM_030662.4(MAP2K2):c.539G>T (p.Gly180Val)

Gene: MAP2K2 (mitogen-activated protein kinase kinase 2; minus strand). Cytogenetic location: 19p13.3.
Variant type: single nucleotide variant.
Coding change: c.539G>T on transcript NM_030662.4 (MANE Select); coding-DNA position 539, G replaced by T.
Protein change: p.Gly180Val; replaces glycine 180 with valine.
Molecular consequence: missense variant.
Genome position (GRCh38, 1-based): chr19:4,101,270, C>A on the plus strand (G>T on the coding strand, the complement: MAP2K2 is on the minus strand). VCF-style: chr19-4101270-C-A. GRCh37 (hg19) VCF-style: chr19-4101268-C-A.
Other names: short protein forms G180V.
Identifiers: ClinVar variation 3689367 (VCV003689367.2).
Genomic context (GRCh38, chr19:4,101,270, plus strand): 5'-AGGGCGGGCTGGGCCTTACCTCGGTGCATGATCTGGTGCTTCTCTCGGAGGTACGCCAAG[C>A]CCCGGAGAACCTGCAGGGGAGCGCGGAGGGAGTCACGGGACAAGGCCACCAGGGCTTAGC-3'
Protein context (NP_109587.1, residues 170-190): LGKVSIAVLR[Gly180Val]LAYLREKHQI